The following is an entry in ClinVar:

ClinVar aggregate classification (germline): Uncertain significance (1 of 4 stars; one submission).

Conditions:
Hereditary sensory and autonomic neuropathy type 6. Also called: Neuropathy, hereditary sensory and autonomic, type VI; HSAN VI. Identifiers: Orphanet 314381, MedGen C3539003, MONDO:0013839, OMIM 614653.
Epidermolysis bullosa simplex 3, localized or generalized intermediate, with BP230 deficiency (EBS3). Also called: Epidermolysis bullosa simplex due to BP230 deficiency; Epidermolysis bullosa simplex, autosomal recessive 2. Identifiers: Orphanet 412181, MedGen C3809470, MONDO:0014180, OMIM 615425.

Allele frequency attached by ClinVar (database versions not stated): gnomAD exomes 0.00001; ExAC 0.00002.
gnomAD v4.1: 8 of 1,613,808 alleles (0.0005%); highest among the groups gnomAD compares: South Asian, 0.0033%; no homozygotes.

Submission:

Labcorp Genetics (formerly Invitae), Labcorp
Classification: Uncertain significance for Epidermolysis bullosa simplex 3, localized or generalized intermediate, with BP230 deficiency; Hereditary sensory and autonomic neuropathy type 6. Last evaluated: 2023-08-10. Review status: criteria provided, single submitter. Criteria: Invitae Variant Classification Sherloc (09022015). Collection method: clinical testing. Allele origin: germline.
Comment: This sequence change replaces arginine, which is basic and polar, with glutamine, which is neutral and polar, at codon 504 of the DST protein (p.Arg504Gln). This variant is present in population databases (rs762435098, gnomAD 0.007%). This variant has not been reported in the literature in individuals affected with DST-related conditions. ClinVar contains an entry for this variant (Variation ID: 1051193). An algorithm developed to predict the effect of missense changes on protein structure and function (PolyPhen-2) suggests that this variant is likely to be disruptive. In summary, the available evidence is currently insufficient to determine the role of this variant in disease. Therefore, it has been classified as a Variant of Uncertain Significance.

NM_001374736.1(DST):c.3122G>A (p.Arg1041Gln)

Gene: DST (dystonin; minus strand). Cytogenetic location: 6p12.1.
Variant type: single nucleotide variant.
Coding change: c.3122G>A on transcript NM_001374736.1 (MANE Select); coding-DNA position 3122, G replaced by A.
Protein change: p.Arg1041Gln; replaces arginine 1041 with glutamine.
Molecular consequence: missense variant.
Genome position (GRCh38, 1-based): chr6:56,635,653, C>T on the plus strand (G>A on the coding strand, the complement: DST is on the minus strand). VCF-style: chr6-56635653-C-T. GRCh37 (hg19) VCF-style: chr6-56500451-C-T.
Other names: c.3023G>A, p.Arg1008Gln (NM_001144769.5); c.2609G>A, p.Arg870Gln (NM_001144770.2); c.3122G>A, p.Arg1041Gln (NM_001374722.1); c.2489G>A, p.Arg830Gln (NM_001374729.1, NM_001374730.1, NM_001386100.1 and 1 more transcripts); c.3149G>A, p.Arg1050Gln (NM_001374734.1); c.1511G>A, p.Arg504Gln (NM_001723.7, NM_015548.5); short protein forms R1008Q, R1041Q, R1050Q, R504Q, R830Q, R870Q.
Identifiers: ClinVar variation 1051193 (VCV001051193.7), dbSNP rs762435098, ClinGen allele CA3871229.